The following is an entry in ClinVar:

ClinVar aggregate classification (germline): Likely pathogenic (1 of 4 stars; one submission).

Conditions:
Ellis-van Creveld syndrome (EVC). Also called: EVC-Related Ellis-van Creveld Syndrome; EVC2-Related Ellis-van Creveld Syndrome; MESOECTODERMAL DYSPLASIA; Chondroectodermal dysplasia. Identifiers: Orphanet 289, MedGen C0013903, MONDO:0009162, OMIM 225500.

Submission:

Myriad Genetics, Inc.
Classification: Likely pathogenic for Ellis-van Creveld syndrome. Last evaluated: 2022-02-17. Review status: criteria provided, single submitter. Criteria: Myriad Women's Health Autosomal Recessive and X-Linked Classification Criteria (2021). Collection method: clinical testing. Allele origin: unknown.
Comment: NM_147127.4(EVC2):c.316A>T(K106*) is expected to be pathogenic in the context of EVC2-related Ellis-van Creveld syndrome. This variant is predicted to lead to an abnormal or absent protein product due to the creation of a premature termination codon in EVC2, a gene where loss-of-function variants are known to be pathogenic. Please note: this variant was assessed in the context of healthy population screening.

NM_147127.5(EVC2):c.316A>T (p.Lys106Ter)

Gene: EVC2 (EvC ciliary complex subunit 2; minus strand). Cytogenetic location: 4p16.2.
Variant type: single nucleotide variant.
Coding change: c.316A>T on transcript NM_147127.5 (MANE Select); coding-DNA position 316, A replaced by T.
Protein change: p.Lys106Ter; replaces lysine 106 with a stop codon.
Molecular consequence: nonsense.
Genome position (GRCh38, 1-based): chr4:5,694,469, T>A on the plus strand (A>T on the coding strand, the complement: EVC2 is on the minus strand). VCF-style: chr4-5694469-T-A. GRCh37 (hg19) VCF-style: chr4-5696196-T-A.
Other names: c.76A>T, p.Lys26Ter (NM_001166136.2); short protein forms K106*, K26*.
Identifiers: ClinVar variation 1724502 (VCV001724502.2), dbSNP rs2474100970, ClinGen allele CA356150779.
Genomic context (GRCh38, chr4:5,694,469, plus strand): 5'-AATGAGCCCATGGCCCACTAGAGGCTGCAGAAGTTGAGAGTGGGATGAAGACTTCCATTT[T>A]CTTGTCCAATTTCATTCCAAGTGGTGCTTCCACTGCAAAACAACAACACACCCGTTTTAT-3'